The following is an entry in ClinVar:

NM_152296.5(ATP1A3):c.219G>A (p.Pro73=)

Gene: ATP1A3 (ATPase Na+/K+ transporting subunit alpha 3; minus strand). Cytogenetic location: 19q13.2.
Variant type: single nucleotide variant.
Coding change: c.219G>A on transcript NM_152296.5 (MANE Select); coding-DNA position 219, G replaced by A.
Protein change: p.Pro73=; no amino-acid change (proline 73 retained).
Molecular consequence: synonymous variant.
Genome position (GRCh38, 1-based): chr19:41,988,074, C>T on the plus strand (G>A on the coding strand, the complement: ATP1A3 is on the minus strand). VCF-style: chr19-41988074-C-T. GRCh37 (hg19) VCF-style: chr19-42492226-C-T.
Other names: c.252G>A, p.Pro84= (NM_001256213.2); c.258G>A, p.Pro86= (NM_001256214.2).
Identifiers: ClinVar variation 1643830 (VCV001643830.32), dbSNP rs567997976, ClinGen allele CA9467918.

ClinVar aggregate classification (germline): Likely benign. Review status: criteria provided, multiple submitters, no conflicts (2 of 4 stars). 2 submissions from 2 submitters: Likely benign (2). Last evaluated 2023-10-01.

Conditions:
Dystonia 12 (DYT12). Also called: DYT-ATP1A3; Rapid-Onset Dystonia-Parkinsonism (RDP). Identifiers: Orphanet 71517, MedGen C1868681, MONDO:0007496, OMIM 128235.

Allele frequency attached by ClinVar (database versions not stated): TOPMed below 0.00001; gnomAD 0.00001; gnomAD exomes 0.00001; ExAC 0.00002; 1000 Genomes Project 30x 0.00016; 1000 Genomes Project 0.00020.
gnomAD v4.1: 25 of 1,614,134 alleles (0.0015%); highest among the groups gnomAD compares: Admixed American, 0.0017%; no homozygotes.

Submissions (2):

CeGaT Center for Human Genetics Tuebingen
Classification: Likely benign. Last evaluated: 2023-10-01. Review status: criteria provided, single submitter. Criteria: CeGaT Center For Human Genetics Tuebingen Variant Classification Criteria Version 2. Collection method: clinical testing. Allele origin: germline. Affected: yes. Observed: 1 variant allele.
Comment: ATP1A3: BP4, BP7

Labcorp Genetics (formerly Invitae), Labcorp
Classification: Likely benign for Dystonia 12. Last evaluated: 2023-08-04. Review status: criteria provided, single submitter. Criteria: Invitae Variant Classification Sherloc (09022015). Collection method: clinical testing. Allele origin: germline.